The following is an entry in ClinVar:

ClinVar aggregate classification (germline): Likely pathogenic (1 of 4 stars; one submission).

Conditions:
Microcephaly, normal intelligence and immunodeficiency (NBS). Also called: BERLIN BREAKAGE SYNDROME; Immunodeficiency, microcephaly with normal intelligence; Nijmegen breakage syndrome; Microcephaly with normal intelligence immunodeficiency and lymphoreticular malignancies; Nonsyndromal microcephaly autosomal recessive with normal intelligence; Seemanova syndrome 2. Identifiers: Orphanet 647, MedGen C0398791, MONDO:0009623, OMIM 251260.

Submission:

Labcorp Genetics (formerly Invitae), Labcorp
Classification: Likely pathogenic for Microcephaly, normal intelligence and immunodeficiency. Last evaluated: 2021-10-19. Review status: criteria provided, single submitter. Criteria: Invitae Variant Classification Sherloc (09022015). Collection method: clinical testing. Allele origin: germline.
Comment: This variant disrupts the ATM interaction domain of the NBN protein (PMID: 24894818, 21035407), which is important for activating ATM in the double-strand break repair pathway (PMID: 15964794, 15048089). While functional studies have not been performed to directly test the effect of this variant on NBN protein function, this suggests that disruption of this region of the protein is causative of disease. This variant has not been reported in the literature in individuals affected with NBN-related conditions. This variant is not present in population databases (ExAC no frequency). This sequence change creates a premature translational stop signal (p.Gln725Argfs*26) in the NBN gene. While this is not anticipated to result in nonsense mediated decay, it is expected to disrupt the last 30 amino acid(s) of the NBN protein. In summary, the currently available evidence indicates that the variant is pathogenic, but additional data are needed to prove that conclusively. Therefore, this variant has been classified as Likely Pathogenic.

Literature cited by the submitters: PubMed 24894818; PubMed 21035407; PubMed 15964794; PubMed 15048089.

NM_002485.5(NBN):c.2173del (p.Gln725fs)

Gene: NBN (nibrin; minus strand). Cytogenetic location: 8q21.3.
Variant type: Deletion.
Coding change: c.2173del on transcript NM_002485.5 (MANE Select); coding-DNA position 2173, one base deleted (C; older notation c.2173delC).
Protein change: p.Gln725fs; shifts the reading frame from glutamine 725.
Molecular consequence: frameshift variant.
Genome position (GRCh38, 1-based): chr8:89,943,264, G deleted on the plus strand (C on the coding strand, the reverse complement: NBN is on the minus strand). VCF-style (leftmost placement, unchanged base first): chr8-89943263-TG-T. GRCh37 (hg19) VCF-style: chr8-90955491-TG-T.
Other names: c.1927del, p.Gln643fs (NM_001024688.3); short protein forms Q725fs, Q643fs.
Identifiers: ClinVar variation 1466198 (VCV001466198.6), dbSNP rs2130755261, ClinGen allele CA2573143324.
Genomic context (GRCh38, chr8:89,943,263, plus strand): 5'-TGGACCAAAGTGCAATTTAAGCAAGTTTCTGGGCCTCACTTCCTACTAACCTCCATTTCC[TG>T]CCTTAGCCACTCTTCTAGTTCTGTATTCTTTCGAGCATGATGAGCTATTAGATCTGATCC-3'